The following is an entry in ClinVar:

NM_014270.5(SLC7A9):c.1166C>T (p.Thr389Met)

Gene: SLC7A9 (solute carrier family 7 member 9; minus strand). Cytogenetic location: 19q13.11.
Variant type: single nucleotide variant.
Coding change: c.1166C>T on transcript NM_014270.5 (MANE Select); coding-DNA position 1166, C replaced by T.
Protein change: p.Thr389Met; replaces threonine 389 with methionine.
Molecular consequence: missense variant.
Genome position (GRCh38, 1-based): chr19:32,842,226, G>A on the plus strand (C>T on the coding strand, the complement: SLC7A9 is on the minus strand). VCF-style: chr19-32842226-G-A. GRCh37 (hg19) VCF-style: chr19-33333132-G-A.
Other names: c.1166C>T, p.Thr389Met (NM_001126335.2, NM_001243036.2); short protein forms T389M.
Identifiers: ClinVar variation 2138267 (VCV002138267.6), dbSNP rs756323038, ClinGen allele CA9358481.

ClinVar aggregate classification (germline): Conflicting classifications of pathogenicity. Review status: criteria provided, conflicting classifications (1 of 4 stars). 3 submissions from 3 submitters: Likely pathogenic (2); Uncertain significance (1). Last evaluated 2025-09-10.

Conditions:
Bethlem myopathy 1A. Also called: MYOPATHY, BENIGN CONGENITAL, WITH CONTRACTURES; Bethlem myopathy 1; Bethlem Muscular Dystrophy. Identifiers: Orphanet 610, MedGen CN029274, MONDO:0024530, OMIM 158810.
SLC7A9-related disorder. Also called: SLC7A9-related condition.

Allele frequency attached by ClinVar (database versions not stated): ExAC 0.00001; gnomAD 0.00001; gnomAD exomes 0.00001; TOPMed 0.00004.
gnomAD v4.1: 17 of 1,613,852 alleles (0.0011%); highest among the groups gnomAD compares: Middle Eastern, 0.033%; no homozygotes.

Submissions (3):

Genomic Medicine Center of Excellence, King Faisal Specialist Hospital and Research Centre
Classification: Likely pathogenic for Bethlem myopathy 1A. Last evaluated: 2025-09-10. Review status: criteria provided, single submitter. Criteria: ACMG Guidelines, 2015. Collection method: clinical testing. Allele origin: germline.

Labcorp Genetics (formerly Invitae), Labcorp
Classification: Uncertain significance. Last evaluated: 2023-06-09. Review status: criteria provided, single submitter. Criteria: Invitae Variant Classification Sherloc (09022015). Collection method: clinical testing. Allele origin: germline.
Comment: In summary, the available evidence is currently insufficient to determine the role of this variant in disease. Therefore, it has been classified as a Variant of Uncertain Significance. Advanced modeling of protein sequence and biophysical properties (such as structural, functional, and spatial information, amino acid conservation, physicochemical variation, residue mobility, and thermodynamic stability) performed at Invitae indicates that this missense variant is not expected to disrupt SLC7A9 protein function. ClinVar contains an entry for this variant (Variation ID: 2138267). This missense change has been observed in individual(s) with cystinuria (PMID: 25109415, 28717662, 33262960). The frequency data for this variant in the population databases is considered unreliable, as metrics indicate poor data quality at this position in the gnomAD database. This sequence change replaces threonine, which is neutral and polar, with methionine, which is neutral and non-polar, at codon 389 of the SLC7A9 protein (p.Thr389Met).

Blueprint Genetics
Classification: Likely pathogenic for SLC7A9-related disorders. Last evaluated: 2021-03-29. Review status: criteria provided, single submitter. Criteria: ACMG Guidelines, 2015. Collection method: clinical testing. Allele origin: germline. Affected: yes. Observed: 2 variant alleles.

Literature cited by the submitters: PubMed 25109415 (cited by Labcorp Genetics (formerly Invitae), Labcorp); PubMed 28717662 (cited by Labcorp Genetics (formerly Invitae), Labcorp); PubMed 33262960 (cited by Labcorp Genetics (formerly Invitae), Labcorp).